The following is an entry in ClinVar:

NM_198252.3(GSN):c.1852C>T (p.Leu618Phe)

Gene: GSN (gelsolin; plus strand). Cytogenetic location: 9q33.2.
Variant type: single nucleotide variant.
Coding change: c.1852C>T on transcript NM_198252.3 (MANE Select); coding-DNA position 1852, C replaced by T.
Protein change: p.Leu618Phe; replaces leucine 618 with phenylalanine.
Molecular consequence: missense variant.
Genome position (GRCh38, 1-based): chr9:121,328,980, C>T. VCF-style: chr9-121328980-C-T. GRCh37 (hg19) VCF-style: chr9-124091258-C-T.
Other names: c.2005C>T, p.Leu669Phe (NM_000177.5); c.1852C>T, p.Leu618Phe (NM_001127662.2, NM_001127664.2, NM_001127665.2 and 10 more transcripts); c.1960C>T, p.Leu654Phe (NM_001127663.2); c.1885C>T, p.Leu629Phe (NM_001127666.2, NM_001127667.2, NM_001353071.2 and 13 more transcripts); c.1903C>T, p.Leu635Phe (NM_001258029.2); c.1876C>T, p.Leu626Phe (NM_001258030.2); c.1924C>T, p.Leu642Phe (NM_001353076.2); c.1198C>T, p.Leu400Phe (NM_001353078.2); short protein forms L629F, L635F, L400F, L618F, L626F, L642F, L654F, L669F.
Identifiers: ClinVar variation 2294853 (VCV002294853.5), dbSNP rs763381957, ClinGen allele CA5221431.

ClinVar aggregate classification (germline): Uncertain significance. Review status: criteria provided, multiple submitters, no conflicts (2 of 4 stars). 2 submissions from 2 submitters: Uncertain significance (2). Last evaluated 2024-10-07.

Conditions:
Inborn genetic diseases. Identifiers: MedGen C0950123, MeSH D030342.

Allele frequency attached by ClinVar (database versions not stated): gnomAD exomes below 0.00001; ExAC 0.00001; gnomAD 0.00001; TOPMed 0.00001.
gnomAD v4.1: 4 of 1,613,932 alleles (0.00025%); highest among the groups gnomAD compares: Non-Finnish European, 0.00017%; no homozygotes.

Submissions (2):

Ambry Genetics
Classification: Uncertain significance for Inborn genetic diseases. Last evaluated: 2024-10-07. Review status: criteria provided, single submitter. Criteria: Ambry Variant Classification Scheme 2023. Collection method: clinical testing. Allele origin: germline.

Labcorp Genetics (formerly Invitae), Labcorp
Classification: Uncertain significance. Last evaluated: 2024-08-08. Review status: criteria provided, single submitter. Criteria: Invitae Variant Classification Sherloc (09022015). Collection method: clinical testing. Allele origin: germline.
Comment: This sequence change replaces leucine, which is neutral and non-polar, with phenylalanine, which is neutral and non-polar, at codon 669 of the GSN protein (p.Leu669Phe). This variant is present in population databases (rs763381957, gnomAD 0.0009%). This variant has not been reported in the literature in individuals affected with GSN-related conditions. ClinVar contains an entry for this variant (Variation ID: 2294853). Advanced modeling of protein sequence and biophysical properties (such as structural, functional, and spatial information, amino acid conservation, physicochemical variation, residue mobility, and thermodynamic stability) performed at Invitae indicates that this missense variant is expected to disrupt GSN protein function with a positive predictive value of 80%. In summary, the available evidence is currently insufficient to determine the role of this variant in disease. Therefore, it has been classified as a Variant of Uncertain Significance.